The following is an entry in ClinVar:

ClinVar aggregate classification (germline): Uncertain significance (1 of 4 stars; one submission).

Submission:

GeneDx
Classification: Uncertain significance. Last evaluated: 2022-11-16. Review status: criteria provided, single submitter. Criteria: GeneDx Variant Classification Process June 2021. Collection method: clinical testing. Allele origin: germline. Affected: yes.
Comment: Not observed at significant frequency in large population cohorts (gnomAD); In silico analysis supports that this missense variant has a deleterious effect on protein structure/function; Has not been previously published as pathogenic or benign to our knowledge

NM_001961.4(EEF2):c.2279A>G (p.Tyr760Cys)

Gene: EEF2 (eukaryotic translation elongation factor 2; minus strand). Cytogenetic location: 19p13.3.
Variant type: single nucleotide variant.
Coding change: c.2279A>G on transcript NM_001961.4 (MANE Select); coding-DNA position 2279, A replaced by G.
Protein change: p.Tyr760Cys; replaces tyrosine 760 with cysteine.
Molecular consequence: missense variant.
Genome position (GRCh38, 1-based): chr19:3,977,319, T>C on the plus strand (A>G on the coding strand, the complement: EEF2 is on the minus strand). VCF-style: chr19-3977319-T-C. GRCh37 (hg19) VCF-style: chr19-3977317-T-C.
Other names: short protein forms Y760C.
Identifiers: ClinVar variation 2502556 (VCV002502556.1), dbSNP rs1333450278, ClinGen allele CA403389530.